The following is an entry in ClinVar:

NM_001348323.3(TRIP12):c.2280A>T (p.Glu760Asp)

Gene: TRIP12 (thyroid hormone receptor interactor 12; minus strand). Cytogenetic location: 2q36.3.
Variant type: single nucleotide variant.
Coding change: c.2280A>T on transcript NM_001348323.3 (MANE Select); coding-DNA position 2280, A replaced by T.
Protein change: p.Glu760Asp; replaces glutamic acid 760 with aspartic acid.
Molecular consequence: missense variant.
Genome position (GRCh38, 1-based): chr2:229,808,311, T>A on the plus strand (A>T on the coding strand, the complement: TRIP12 is on the minus strand). VCF-style: chr2-229808311-T-A. GRCh37 (hg19) VCF-style: chr2-230673027-T-A.
Other names: c.2280A>T, p.Glu760Asp (NM_001284214.2, NM_001348315.2, NM_001348319.1 and 11 more transcripts); c.2154A>T, p.Glu718Asp (NM_001284215.2, NM_001348316.2, NM_001348317.1 and 2 more transcripts); c.1245A>T, p.Glu415Asp (NM_001284216.2); c.2193A>T, p.Glu731Asp (NM_001348332.1); c.2136A>T, p.Glu712Asp (NM_004238.3); short protein forms E718D, E760D, E415D, E712D, E731D.
Identifiers: ClinVar variation 3393853 (VCV003393853.1).

ClinVar aggregate classification (germline): Uncertain significance (1 of 4 stars; one submission).

Submission:

GeneDx
Classification: Uncertain significance. Last evaluated: 2024-07-02. Review status: criteria provided, single submitter. Criteria: GeneDx Variant Classification Process June 2021. Collection method: clinical testing. Allele origin: germline. Affected: yes.
Comment: Not observed at significant frequency in large population cohorts (gnomAD); In silico analysis indicates that this missense variant does not alter protein structure/function; Has not been previously published as pathogenic or benign to our knowledge